The following is an entry in ClinVar:

ClinVar aggregate classification (germline): Uncertain significance (1 of 4 stars; one submission).

gnomAD v4.1: 1 of 1,612,004 alleles (0.000062%); highest among the groups gnomAD compares: South Asian, 0.0011%; no homozygotes.

Submission:

Labcorp Genetics (formerly Invitae), Labcorp
Classification: Uncertain significance. Last evaluated: 2022-07-01. Review status: criteria provided, single submitter. Criteria: Invitae Variant Classification Sherloc (09022015). Collection method: clinical testing. Allele origin: germline.
Comment: In summary, the available evidence is currently insufficient to determine the role of this variant in disease. Therefore, it has been classified as a Variant of Uncertain Significance. Algorithms developed to predict the effect of missense changes on protein structure and function output the following: SIFT: "Tolerated"; PolyPhen-2: "Possibly Damaging"; Align-GVGD: "Class C0". The methionine amino acid residue is found in multiple mammalian species, which suggests that this missense change does not adversely affect protein function. This variant has not been reported in the literature in individuals affected with GCKR-related conditions. This variant is not present in population databases (gnomAD no frequency). This sequence change replaces valine, which is neutral and non-polar, with methionine, which is neutral and non-polar, at codon 489 of the GCKR protein (p.Val489Met).

NM_001486.4(GCKR):c.1465G>A (p.Val489Met)

Gene: GCKR (glucokinase regulator; plus strand). Cytogenetic location: 2p23.3.
Variant type: single nucleotide variant.
Coding change: c.1465G>A on transcript NM_001486.4 (MANE Select); coding-DNA position 1465, G replaced by A.
Protein change: p.Val489Met; replaces valine 489 with methionine.
Molecular consequence: missense variant.
Genome position (GRCh38, 1-based): chr2:27,518,830, G>A. VCF-style: chr2-27518830-G-A. GRCh37 (hg19) VCF-style: chr2-27741697-G-A.
Other names: short protein forms V489M.
Identifiers: ClinVar variation 1919885 (VCV001919885.5), dbSNP rs752882675, ClinGen allele CA346392589.